The following is an entry in ClinVar:

NC_000022.10:g.(?_33559508)_(33673261_?)del

Gene: LARGE1 (LARGE xylosyl- and glucuronyltransferase 1; minus strand). Cytogenetic location: 22q12.3.
Variant type: Deletion.
Identifiers: ClinVar variation 2425216 (VCV002425216.6).

ClinVar aggregate classification (germline): Pathogenic (1 of 4 stars; one submission).

Conditions:
Muscular dystrophy-dystroglycanopathy type B6 (MDDGB6). Also called: MUSCULAR DYSTROPHY-DYSTROGLYCANOPATHY (CONGENITAL WITH IMPAIRED INTELLECTUAL DEVELOPMENT), TYPE B, 6; MUSCULAR DYSTROPHY, CONGENITAL, LARGE-RELATED; MUSCULAR DYSTROPHY, CONGENITAL, TYPE 1D. Identifiers: MedGen C1837229, MONDO:0012138, OMIM 608840.

Submission:

Labcorp Genetics (formerly Invitae), Labcorp
Classification: Pathogenic for Muscular dystrophy-dystroglycanopathy type B6. Last evaluated: 2023-12-22. Review status: criteria provided, single submitter. Criteria: Invitae Variant Classification Sherloc (09022015). Collection method: clinical testing. Allele origin: germline.
Comment: This variant is a gross deletion of the genomic region encompassing exon(s) 15-16 of the LARGE1 gene, which includes the termination codon. This deletion extends beyond the assayed region for this gene and therefore may encompass additional genes. While this deletion is not anticipated to lead to nonsense mediated decay, it is expected to alter mRNA translation or result in a truncated protein product. This variant has not been reported in the literature in individuals affected with LARGE1-related conditions. This variant disrupts a region of the LARGE1 protein in which other variant(s) (p.Cys667Leufs*28) have been determined to be pathogenic (PMID: 12966029). This suggests that this is a clinically significant region of the protein, and that variants that disrupt it are likely to be disease-causing. For these reasons, this variant has been classified as Pathogenic.

Literature cited by the submitters: PubMed 12966029.